The following is an entry in ClinVar:

ClinVar aggregate classification (germline): Uncertain significance. Review status: criteria provided, multiple submitters, no conflicts (2 of 4 stars). 3 submissions from 3 submitters: Uncertain significance (3). Last evaluated 2025-12-29.

Conditions:
Ataxia-telangiectasia syndrome (AT). Also called: Cerebello-oculocutaneous telangiectasia; Immunodeficiency with ataxia telangiectasia; ATAXIA-TELANGIECTASIA, COMPLEMENTATION GROUP A; ATAXIA-TELANGIECTASIA, FRESNO VARIANT; Ataxia-telangiectasia, complementation group E; LOUIS-BAR SYNDROME. Identifiers: Orphanet 100, MedGen C0004135, MONDO:0008840, OMIM 208900.
Hereditary cancer-predisposing syndrome. Also called: Neoplastic Syndromes, Hereditary; Hereditary Cancer Syndrome; Tumor predisposition; Hereditary neoplastic syndrome. Identifiers: Orphanet 140162, MedGen C0027672, MeSH D009386, MONDO:0015356.

Submissions (3):

Center for Genomic Medicine, Rigshospitalet, Copenhagen University Hospital
Classification: Uncertain significance. Last evaluated: 2025-12-29. Review status: criteria provided, single submitter. Criteria: ACMG Guidelines, 2015. Collection method: clinical testing. Allele origin: germline.
Comment: Classification criteria: BP4

Ambry Genetics
Classification: Uncertain significance for Hereditary cancer-predisposing syndrome. Last evaluated: 2022-10-27. Review status: criteria provided, single submitter. Criteria: Ambry Variant Classification Scheme 2023. Collection method: clinical testing. Allele origin: germline.
Comment: The p.I1422L variant (also known as c.4264A>T), located in coding exon 28 of the ATM gene, results from an A to T substitution at nucleotide position 4264. The isoleucine at codon 1422 is replaced by leucine, an amino acid with highly similar properties. This amino acid position is conserved. In addition, this alteration is predicted to be tolerated by in silico analysis. Since supporting evidence is limited at this time, the clinical significance of this alteration remains unclear.

Labcorp Genetics (formerly Invitae), Labcorp
Classification: Uncertain significance for Ataxia-telangiectasia syndrome. Last evaluated: 2021-03-02. Review status: criteria provided, single submitter. Criteria: Invitae Variant Classification Sherloc (09022015). Collection method: clinical testing. Allele origin: germline.
Comment: This sequence change replaces isoleucine with leucine at codon 1422 of the ATM protein (p.Ile1422Leu). The isoleucine residue is moderately conserved and there is a small physicochemical difference between isoleucine and leucine. This variant is not present in population databases (ExAC no frequency). This variant has not been reported in the literature in individuals with ATM-related conditions. Advanced modeling of protein sequence and biophysical properties (such as structural, functional, and spatial information, amino acid conservation, physicochemical variation, residue mobility, and thermodynamic stability) performed at Invitae indicates that this missense variant is not expected to disrupt ATM protein function. In summary, the available evidence is currently insufficient to determine the role of this variant in disease. Therefore, it has been classified as a Variant of Uncertain Significance.

NM_000051.4(ATM):c.4264A>T (p.Ile1422Leu)

Gene: ATM (ATM serine/threonine kinase; plus strand). Cytogenetic location: 11q22.3.
Variant type: single nucleotide variant.
Coding change: c.4264A>T on transcript NM_000051.4 (MANE Select); coding-DNA position 4264, A replaced by T.
Protein change: p.Ile1422Leu; replaces isoleucine 1422 with leucine.
Molecular consequence: missense variant.
Genome position (GRCh38, 1-based): chr11:108,289,629, A>T. VCF-style: chr11-108289629-A-T. GRCh37 (hg19) VCF-style: chr11-108160356-A-T.
Other names: c.4264A>T, p.Ile1422Leu (NM_001351834.2); short protein forms I1422L.
Identifiers: ClinVar variation 1514234 (VCV001514234.11), dbSNP rs562445932, ClinGen allele CA382531176.
Genomic context (GRCh38, chr11:108,289,629, plus strand): 5'-AACAAGTTTTTACTAAATCTGTTTATTTTCTAGGATTCCTATCAGAAAATTCTTCTTGCC[A>T]TATGTGAGCAAGCAGCTGAAACAAATAATGTTTATAAGAAGCACAGAATTCTTAAAATAT-3'
Protein context (NP_000042.3, residues 1412-1432): PDSYQKILLA[Ile1422Leu]CEQAAETNNV